The following is an entry in ClinVar:

NM_000390.4(CHM):c.965A>C (p.Glu322Ala)

Gene: CHM (CHM Rab escort protein; minus strand). Cytogenetic location: Xq21.2.
Variant type: single nucleotide variant.
Coding change: c.965A>C on transcript NM_000390.4 (MANE Select); coding-DNA position 965, A replaced by C.
Protein change: p.Glu322Ala; replaces glutamic acid 322 with alanine.
Molecular consequence: missense variant.
Genome position (GRCh38, 1-based): chrX:85,956,354, T>G on the plus strand (A>C on the coding strand, the complement: CHM is on the minus strand). VCF-style: chrX-85956354-T-G. GRCh37 (hg19) VCF-style: chrX-85211359-T-G.
Other names: c.521A>C, p.Glu174Ala (NM_001320959.1, NM_001362517.1, NM_001362518.2 and 1 more transcripts); short protein forms E322A, E174A.
Identifiers: ClinVar variation 4742411 (VCV004742411.1).
Genomic context (GRCh38, chrX:85,956,354, plus strand): 5'-GCAATTGAATGCATGACAATATATTGGAGGTTGGGGGTTAATTTTTGAGTCTTTAAATAT[T>G]CATAAAATGTGATCTCTTCATATCCTATGAAAAGATGAAATTTTATCACTTAAAATCAGA-3'
Protein context (NP_000381.1, residues 312-332): YKGYEEITFY[Glu322Ala]YLKTQKLTPN

ClinVar aggregate classification (germline): Uncertain significance (1 of 4 stars; one submission).

Submission:

Labcorp Genetics (formerly Invitae), Labcorp
Classification: Uncertain significance. Last evaluated: 2025-12-21. Review status: criteria provided, single submitter. Criteria: Invitae Variant Classification Sherloc (09022015). Collection method: clinical testing. Allele origin: germline.
Comment: This sequence change replaces glutamic acid, which is acidic and polar, with alanine, which is neutral and non-polar, at codon 322 of the CHM protein (p.Glu322Ala). This variant is not present in population databases (gnomAD no frequency). This variant has not been reported in the literature in individuals affected with CHM-related conditions. Invitae Evidence Modeling of protein sequence and biophysical properties (such as structural, functional, and spatial information, amino acid conservation, physicochemical variation, residue mobility, and thermodynamic stability) indicates that this missense variant is not expected to disrupt CHM protein function with a negative predictive value of 80%. In summary, the available evidence is currently insufficient to determine the role of this variant in disease. Therefore, it has been classified as a Variant of Uncertain Significance.